The following is an entry in ClinVar:

NM_001184.4(ATR):c.4592A>G (p.His1531Arg)

Gene: ATR (ATR checkpoint kinase; minus strand). Cytogenetic location: 3q23.
Variant type: single nucleotide variant.
Coding change: c.4592A>G on transcript NM_001184.4 (MANE Select); coding-DNA position 4592, A replaced by G.
Protein change: p.His1531Arg; replaces histidine 1531 with arginine.
Molecular consequence: missense variant.
Genome position (GRCh38, 1-based): chr3:142,513,550, T>C on the plus strand (A>G on the coding strand, the complement: ATR is on the minus strand). VCF-style: chr3-142513550-T-C. GRCh37 (hg19) VCF-style: chr3-142232392-T-C.
Other names: c.4400A>G, p.His1467Arg (NM_001354579.2); short protein forms H1531R, H1467R.
Identifiers: ClinVar variation 903547 (VCV000903547.14), dbSNP rs200070057, ClinGen allele CA2649813.

ClinVar aggregate classification (germline): Uncertain significance. Review status: criteria provided, multiple submitters, no conflicts (2 of 4 stars). 7 submissions from 6 submitters: Uncertain significance (7). Last evaluated 2026-03-12.

Conditions:
ATR-related disorder. Also called: ATR-related condition.
Familial cutaneous telangiectasia and oropharyngeal predisposition cancer syndrome. Identifiers: Orphanet 313846, MedGen C3281203, MONDO:0013806, OMIM 614564.
Seckel syndrome 1 (SCKL1). Also called: MICROCEPHALIC PRIMORDIAL DWARFISM I. Identifiers: Orphanet 808, MedGen C4551474, MONDO:0008869, OMIM 210600.

Allele frequency attached by ClinVar (database versions not stated): ExAC 0.00015; 1000 Genomes Project 30x 0.00016; gnomAD 0.00019 and 0.00018; 1000 Genomes Project 0.00020; TOPMed 0.00013; gnomAD exomes 0.00034 and 0.00012; ESP Exome Variant Server 0.00023.
gnomAD v4.1: 513 of 1,613,236 alleles (0.032%); highest among the groups gnomAD compares: Non-Finnish European, 0.042%; no homozygotes.

Submissions (7):

GeneDx
Classification: Uncertain significance. Last evaluated: 2026-03-12. Review status: criteria provided, single submitter. Criteria: GeneDx Variant Classification Process June 2021. Collection method: clinical testing. Allele origin: germline.
Comment: In silico analysis supports that this missense variant has a deleterious effect on protein structure/function; This variant is associated with the following publications: (PMID: 33057211, 32606146)

Labcorp Genetics (formerly Invitae), Labcorp
Classification: Uncertain significance. Last evaluated: 2026-01-11. Review status: criteria provided, single submitter. Criteria: Invitae Variant Classification Sherloc (09022015). Collection method: clinical testing. Allele origin: germline.
Comment: This sequence change replaces histidine, which is basic and polar, with arginine, which is basic and polar, at codon 1531 of the ATR protein (p.His1531Arg). This variant is present in population databases (rs200070057, gnomAD 0.03%). This missense change has been observed in individual(s) with melanoma and/or prostate cancer (PMID: 32606146, 33057211). ClinVar contains an entry for this variant (Variation ID: 903547). An algorithm developed to predict the effect of missense changes on protein structure and function (PolyPhen-2) suggests that this variant is likely to be disruptive. In summary, the available evidence is currently insufficient to determine the role of this variant in disease. Therefore, it has been classified as a Variant of Uncertain Significance.

Baylor Genetics
Classification: Uncertain significance for Familial cutaneous telangiectasia and oropharyngeal predisposition cancer syndrome. Last evaluated: 2024-01-16. Review status: criteria provided, single submitter. Criteria: ACMG Guidelines, 2015. Collection method: clinical testing. Allele origin: unknown.

PreventionGenetics, part of Exact Sciences
Classification: Uncertain significance for ATR-related condition. Last evaluated: 2023-06-14. Review status: criteria provided, single submitter. Criteria: ACMG Guidelines, 2015. Collection method: clinical testing. Allele origin: germline.
Comment: The ATR c.4592A>G variant is predicted to result in the amino acid substitution p.His1531Arg. This variant has been reported in a family with cutaneous melanoma and in an individual with metastatic castration-resistant prostate cancer (Table 4, referred to as rs200070057, Yepes et al. 2020. PubMed ID: 33057211; Table 1, Holeckova et al. 2020. PubMed ID: 32606146). It is interpreted as uncertain significance in ClinVar. This variant is reported in 0.025% of alleles in individuals of European (Non-Finnish) descent in gnomAD. At this time, the clinical significance of this variant is uncertain due to the absence of conclusive functional and genetic evidence.

Genome-Nilou Lab
Classification: Uncertain significance for Seckel syndrome 1. Last evaluated: 2023-02-08. Review status: criteria provided, single submitter. Criteria: ACMG Guidelines, 2015. Collection method: clinical testing. Allele origin: germline.

Genome-Nilou Lab
Classification: Uncertain significance for Familial cutaneous telangiectasia and oropharyngeal predisposition cancer syndrome. Last evaluated: 2023-02-08. Review status: criteria provided, single submitter. Criteria: ACMG Guidelines, 2015. Collection method: clinical testing. Allele origin: germline.

Illumina Laboratory Services, Illumina
Classification: Uncertain significance for Seckel syndrome 1. Last evaluated: 2018-01-13. Review status: criteria provided, single submitter. Criteria: ICSL Variant Classification Criteria 13 December 2019. Collection method: clinical testing. Allele origin: germline.

Literature cited by the submitters: PubMed 32606146 (cited by Labcorp Genetics (formerly Invitae), Labcorp); PubMed 33057211 (cited by Labcorp Genetics (formerly Invitae), Labcorp).